The following is an entry in ClinVar:

NM_019066.5(MAGEL2):c.3699_3701dup (p.Asp1234dup)

Gene: MAGEL2 (MAGE family member L2; minus strand). Cytogenetic location: 15q11.2.
Variant type: Duplication.
Coding change: c.3699_3701dup on transcript NM_019066.5 (MANE Select); coding-DNA positions 3699 to 3701, 3 bases duplicated (TGA; older notation c.3699_3701dupTGA).
Protein change: p.Asp1234dup; duplicates aspartic acid 1234.
Molecular consequence: inframe insertion.
Genome position (GRCh38, 1-based): chr15:23,644,042-23,644,044, TCA duplicated on the plus strand (TGA on the coding strand, the reverse complement: MAGEL2 is on the minus strand). VCF-style (leftmost placement, unchanged base first): chr15-23644041-G-GTCA. GRCh37 (hg19) VCF-style: chr15-23889188-G-GTCA.
Other names: c.3699_3701dupTGA (NM_019066.4).
Identifiers: ClinVar variation 1048991 (VCV001048991.3), dbSNP rs779843667, ClinGen allele CA7429656.
Genomic context (GRCh38, chr15:23,644,041, plus strand): 5'-CTGCTACACCTATTAGCGGGGAGGGGGCCTGCTGGTGGGGCCGTGGGCACTGTCACCGGT[G>GTCA]TCAGGTTCATCCTCATCTGTGTCTTCCCACTCACACTCTGCGAGCGCTTCAAGGTAATGG-3'

ClinVar aggregate classification (germline): Likely benign. Review status: criteria provided, single submitter (1 of 4 stars). 2 submissions from 2 submitters: Likely benign (1). 1 of the submissions does not count toward it. Last evaluated 2025-09-15.

Conditions:
MAGEL2-related disorder. Also called: MAGEL2-related condition.

Allele frequency attached by ClinVar (database versions not stated): gnomAD exomes 0.00002; ExAC 0.00003; TOPMed 0.00004; gnomAD 0.00005.

Submissions (2):

PreventionGenetics, part of Exact Sciences
Classification: Likely benign for MAGEL2-related condition. Last evaluated: 2025-09-15. Review status: criteria provided, single submitter. Criteria: ACMG Guidelines, 2015. Collection method: clinical testing. Allele origin: germline.
Comment: This variant is classified as likely benign based on ACMG/AMP sequence variant interpretation guidelines (Richards et al. 2015 PMID: 25741868, with internal and published modifications).

Department of Pathology and Laboratory Medicine, Sinai Health System
Classification: Uncertain significance. Review status: no assertion criteria provided. Collection method: clinical testing. Allele origin: unknown. Affected: yes. Study: The Canadian Open Genetics Repository (COGR). Not counted in ClinVar's aggregate classification.
Comment: The MAGEL2 p.Asp1234dup variant was not identified in the literature nor was it identified in ClinVar. The variant was identified in dbSNP (ID: rs779843667) and in control databases in 4 of 247970 chromosomes at a frequency of 0.00001613 (Genome Aggregation Database March 6, 2019, v2.1.1). This variant is an in-frame insertion resulting in the duplication of an aspartic acid (asp) residue at codon 1234; the impact of this alteration on MAGEL2 protein function is not known. In summary, based on the above information the clinical significance of this variant cannot be determined with certainty at this time. This variant is classified as a variant of uncertain significance.